The following is an entry in ClinVar:

ClinVar aggregate classification (germline): Uncertain significance (1 of 4 stars; one submission).

Submission:

Labcorp Genetics (formerly Invitae), Labcorp
Classification: Uncertain significance. Last evaluated: 2022-12-31. Review status: criteria provided, single submitter. Criteria: Invitae Variant Classification Sherloc (09022015). Collection method: clinical testing. Allele origin: unknown.
Comment: In summary, the available evidence is currently insufficient to determine the role of this variant in disease. Therefore, it has been classified as a Variant of Uncertain Significance. This variant has not been reported in the literature in individuals affected with ATRIP-related conditions. A gross deletion of the genomic region encompassing the full coding sequence of the ATRIP gene has been identified. The current clinical and genetic evidence is not sufficient to establish whether loss-of-function variants in ATRIP cause disease. The boundaries of this event are unknown as they extend beyond the assayed region for this gene and therefore may encompass additional genes.

NC_000003.11:g.(?_47894522)_(49060605_?)del

Genes: ARIH2 (ariadne RBR E3 ubiquitin protein ligase 2; plus strand), ARIH2OS (ARIH2 opposite strand lncRNA; minus strand), ATRIP (ATR interacting protein; plus strand), CAMP (cathelicidin antimicrobial peptide; plus strand), CCDC51 (coiled-coil domain containing 51; minus strand) and 26 more. Cytogenetic location: 3p21.31.
Variant type: Deletion.
Identifiers: ClinVar variation 3247055 (VCV003247055.1).